The following is an entry in ClinVar:

ClinVar aggregate classification (germline): Uncertain significance (1 of 4 stars; one submission).

Conditions:
Fanconi anemia (FA). Also called: Fanconi's anemia. Identifiers: Orphanet 84, MedGen C0015625, MeSH D005199, MONDO:0019391.

Submission:

Labcorp Genetics (formerly Invitae), Labcorp
Classification: Uncertain significance for Fanconi anemia. Last evaluated: 2025-06-23. Review status: criteria provided, single submitter. Criteria: Invitae Variant Classification Sherloc (09022015). Collection method: clinical testing. Allele origin: germline.
Comment: This variant, c.5157_5159del, results in the deletion of 1 amino acid(s) of the SLX4 protein (p.Ser1721del), but otherwise preserves the integrity of the reading frame. This variant is present in population databases (rs770121119, gnomAD 0.003%). This variant has not been reported in the literature in individuals affected with SLX4-related conditions. Experimental studies and prediction algorithms are not available or were not evaluated, and the functional significance of this variant is currently unknown. In summary, the available evidence is currently insufficient to determine the role of this variant in disease. Therefore, it has been classified as a Variant of Uncertain Significance.

NM_032444.4(SLX4):c.5154TTC[1] (p.Ser1721del)

Gene: SLX4 (SLX4 structure-specific endonuclease subunit; minus strand). Cytogenetic location: 16p13.3.
Variant type: Microsatellite.
Coding change: c.5154TTC[1] on transcript NM_032444.4 (MANE Select); one copy of the 3-base unit TTC starting at c.5154; the reference has two copies in a row; one copy, 3 bases deleted.
Protein change: p.Ser1721del; deletes serine 1721.
Molecular consequence: inframe deletion.
Genome position (GRCh38, 1-based): chr16:3,582,688-3,582,690, GAA deleted on the plus strand (TTC on the coding strand, the reverse complement: SLX4 is on the minus strand); deleting any 3 consecutive bases within chr16:3,582,688-3,582,693 gives the same sequence; the position shown is the placement nearest the transcript's 3' end. VCF-style (leftmost placement, unchanged base first): chr16-3582687-GGAA-G. GRCh37 (hg19) VCF-style: chr16-3632688-GGAA-G.
Other names: short protein forms S1721del.
Identifiers: ClinVar variation 1419391 (VCV001419391.8), dbSNP rs770121119, ClinGen allele CA7865387.